The following is an entry in ClinVar:

ClinVar aggregate classification (germline): Uncertain significance (1 of 4 stars; one submission).

Conditions:
Inborn genetic diseases. Identifiers: MedGen C0950123, MeSH D030342.

Submission:

Ambry Genetics
Classification: Uncertain significance for Inborn genetic diseases. Last evaluated: 2026-04-26. Review status: criteria provided, single submitter. Criteria: Ambry Variant Classification Scheme 2023. Collection method: clinical testing. Allele origin: germline.
Comment: The p.A616T variant (also known as c.1846G>A), located in coding exon 17 of the DDX41 gene, results from a G to A substitution at nucleotide position 1846. The alanine at codon 616 is replaced by threonine, an amino acid with similar properties. This amino acid position is conserved. In addition, this alteration is predicted to be tolerated by in silico analysis. Based on the available evidence, the clinical significance of this variant remains unclear.

NM_016222.4(DDX41):c.1846G>A (p.Ala616Thr)

Gene: DDX41 (DEAD-box helicase 41; minus strand). Cytogenetic location: 5q35.3.
Variant type: single nucleotide variant.
Coding change: c.1846G>A on transcript NM_016222.4 (MANE Select); coding-DNA position 1846, G replaced by A.
Protein change: p.Ala616Thr; replaces alanine 616 with threonine.
Molecular consequence: missense variant.
Genome position (GRCh38, 1-based): chr5:177,511,814, C>T on the plus strand (G>A on the coding strand, the complement: DDX41 is on the minus strand). VCF-style: chr5-177511814-C-T. GRCh37 (hg19) VCF-style: chr5-176938815-C-T.
Other names: c.1468G>A, p.Ala490Thr (NM_001321732.2, NM_001321830.2); short protein forms A490T, A616T.
Identifiers: ClinVar variation 4869653 (VCV004869653.1).